The following is an entry in ClinVar:

NM_001136035.4(TRMT1):c.2T>G (p.Met1Arg)

Gene: TRMT1 (tRNA methyltransferase 1; minus strand). Cytogenetic location: 19p13.13.
Variant type: single nucleotide variant.
Coding change: c.2T>G on transcript NM_001136035.4 (MANE Select); coding-DNA position 2, T replaced by G.
Protein change: p.Met1Arg; changes the start codon (methionine 1).
Molecular consequence: missense variant, initiator codon variant. On other transcripts: 5 prime UTR variant (1), intron variant (1).
Genome position (GRCh38, 1-based): chr19:13,116,398, A>C on the plus strand (T>G on the coding strand, the complement: TRMT1 is on the minus strand). VCF-style: chr19-13116398-A-C. GRCh37 (hg19) VCF-style: chr19-13227212-A-C.
Other names: c.2T>G, p.Met1Arg (NM_001142554.3, NM_001351760.2, NM_017722.5); c.-862T>G (NM_001351762.2); c.-49-58T>G (NM_001351761.2); short protein forms M1R.
Identifiers: ClinVar variation 1712629 (VCV001712629.3), dbSNP rs751570643, ClinGen allele CA9238188.

ClinVar aggregate classification (germline): Uncertain significance (1 of 4 stars; one submission).

Allele frequency attached by ClinVar (database versions not stated): ExAC 0.00003; gnomAD 0.00003; TOPMed 0.00003.

Submission:

GeneDx
Classification: Uncertain significance. Last evaluated: 2022-04-28. Review status: criteria provided, single submitter. Criteria: GeneDx Variant Classification Process June 2021. Collection method: clinical testing. Allele origin: germline. Affected: yes.
Comment: Initiation codon variant in a gene for which loss of function is a known mechanism of disease; Has not been previously published as pathogenic or benign to our knowledge